The following is an entry in ClinVar:

NM_002294.3(LAMP2):c.773C>G (p.Thr258Arg)

Gene: LAMP2 (lysosome associated membrane protein 2; minus strand). Cytogenetic location: Xq24.
Variant type: single nucleotide variant.
Coding change: c.773C>G on transcript NM_002294.3 (MANE Select); coding-DNA position 773, C replaced by G.
Protein change: p.Thr258Arg; replaces threonine 258 with arginine.
Molecular consequence: missense variant.
Genome position (GRCh38, 1-based): chrX:120,446,396, G>C on the plus strand (C>G on the coding strand, the complement: LAMP2 is on the minus strand). VCF-style: chrX-120446396-G-C. GRCh37 (hg19) VCF-style: chrX-119580251-G-C.
Other names: c.773C>G, p.Thr258Arg (NM_001122606.1, NM_013995.2); short protein forms T258R.
Identifiers: ClinVar variation 1310068 (VCV001310068.8), dbSNP rs111703410, ClinGen allele CA414400995.

ClinVar aggregate classification (germline): Conflicting classifications of pathogenicity. Review status: criteria provided, conflicting classifications (1 of 4 stars). 3 submissions from 3 submitters: Uncertain significance (2); Likely benign (1). Last evaluated 2025-10-07.

Conditions:
Cardiovascular phenotype. Identifiers: MedGen CN230736.
Danon disease. Also called: ANTOPOL DISEASE; PSEUDOGLYCOGENOSIS II; GSD IIb; LYSOSOMAL GLYCOGEN STORAGE DISEASE WITHOUT ACID MALTASE DEFICIENCY; Glycogen Storage Disease Type IIb. Identifiers: Orphanet 34587, MedGen C0878677, MONDO:0010281, OMIM 300257.

Allele frequency attached by ClinVar (database versions not stated): TOPMed 0.00001.
gnomAD v4.1: 2 of 1,207,465 alleles (0.00017%); highest among the groups gnomAD compares: Non-Finnish European, 0.00022%; no homozygotes.

Submissions (3):

Ambry Genetics
Classification: Likely benign for Cardiovascular phenotype. Last evaluated: 2025-10-07. Review status: criteria provided, single submitter. Criteria: Ambry Variant Classification Scheme 2023. Collection method: clinical testing. Allele origin: germline.

Labcorp Genetics (formerly Invitae), Labcorp
Classification: Uncertain significance for Danon disease. Last evaluated: 2024-11-05. Review status: criteria provided, single submitter. Criteria: Invitae Variant Classification Sherloc (09022015). Collection method: clinical testing. Allele origin: germline.
Comment: This sequence change replaces threonine, which is neutral and polar, with arginine, which is basic and polar, at codon 258 of the LAMP2 protein (p.Thr258Arg). This variant is not present in population databases (gnomAD no frequency). This variant has not been reported in the literature in individuals affected with LAMP2-related conditions. ClinVar contains an entry for this variant (Variation ID: 1310068). Invitae Evidence Modeling of protein sequence and biophysical properties (such as structural, functional, and spatial information, amino acid conservation, physicochemical variation, residue mobility, and thermodynamic stability) indicates that this missense variant is not expected to disrupt LAMP2 protein function with a negative predictive value of 80%. In summary, the available evidence is currently insufficient to determine the role of this variant in disease. Therefore, it has been classified as a Variant of Uncertain Significance.

GeneDx
Classification: Uncertain significance. Last evaluated: 2019-11-13. Review status: criteria provided, single submitter. Criteria: GeneDx Variant Classification Process June 2021. Collection method: clinical testing. Allele origin: germline. Affected: yes.
Comment: Not observed in large population cohorts (Lek et al., 2016); In silico analysis, which includes protein predictors and evolutionary conservation, supports a deleterious effect; Has not been previously published as pathogenic or benign to our knowledge